The following is an entry in ClinVar:

ClinVar aggregate classification (germline): Conflicting classifications of pathogenicity. Review status: criteria provided, conflicting classifications (1 of 4 stars). 4 submissions from 4 submitters: Likely pathogenic (1); Uncertain significance (3). Last evaluated 2026-08-06.

Conditions:
Glycogen storage disease due to muscle beta-enolase deficiency (GSD13). Also called: ENOLASE 3 DEFICIENCY; ENOLASE-BETA DEFICIENCY; GSD XIII; Glycogen Storage Disease Type XIII. Identifiers: Orphanet 99849, MedGen C2752027, MONDO:0013046, OMIM 612932.

Submissions (4):

OLLIN Analises Genomicas, OLLIN
Classification: Uncertain significance. Last evaluated: 2026-08-06. Review status: criteria provided, single submitter. Criteria: ACMG Guidelines 2015 PMID 25741868. Collection method: clinical testing. Allele origin: germline.
Comment: This frameshift variant, located in exon 8 (of 12), has been reported in ClinVar (accession VCV000422015.6) and in gnomAD with an allele frequency of 0.000805%. However, to our knowledge, it has not been reported in the scientific literature. This variant causes a frameshift and introduces a premature stop codon, which is predicted to result in either a truncated protein or degradation of the mRNA via nonsense-mediated decay (NMD). According to the currently available evidence, this variant has been classified as uncertain significance (PVS1_S, PM2_P).

Labcorp Genetics (formerly Invitae), Labcorp
Classification: Uncertain significance for Glycogen storage disease due to muscle beta-enolase deficiency. Last evaluated: 2022-06-30. Review status: criteria provided, single submitter. Criteria: Invitae Variant Classification Sherloc (09022015). Collection method: clinical testing. Allele origin: germline.
Comment: This sequence change creates a premature translational stop signal (p.Pro237Glnfs*5) in the ENO3 gene. It is expected to result in an absent or disrupted protein product. However, the current clinical and genetic evidence is not sufficient to establish whether loss-of-function variants in ENO3 cause disease. This variant is present in population databases (rs778664924, gnomAD 0.002%). In summary, the available evidence is currently insufficient to determine the role of this variant in disease. Therefore, it has been classified as a Variant of Uncertain Significance. ClinVar contains an entry for this variant (Variation ID: 422015). This variant is also known as c.737del. This premature translational stop signal has been observed in individual(s) with clinical features of ENO3-related conditions (PMID: 33004838).

Blueprint Genetics
Classification: Uncertain significance. Last evaluated: 2021-10-06. Review status: criteria provided, single submitter. Criteria: ACMG Guidelines, 2015. Collection method: clinical testing. Allele origin: germline.

GeneDx
Classification: Likely pathogenic. Last evaluated: 2016-08-24. Review status: criteria provided, single submitter. Criteria: GeneDx Variant Classification (06012015). Collection method: clinical testing. Allele origin: germline. Affected: yes.
Comment: The c.710delC variant in the ENO3 gene causes a frameshift starting with codon Proline 237, changes this amino acid to a Glutamine residue and creates a premature Stop codon at position 5 of the new reading frame, denoted p.Pro237GlnfsX5. This variant is predicted to cause loss of normal protein function either through protein truncation or nonsense-mediated mRNA decay. Although this variant has not been previously reported to our knowledge, it is interpreted to be a likely pathogenic variant.

Literature cited by the submitters: PubMed 33004838 (cited by Labcorp Genetics (formerly Invitae), Labcorp).

NM_053013.4(ENO3):c.710del (p.Pro237fs)

Gene: ENO3 (enolase 3; plus strand). Cytogenetic location: 17p13.2.
Variant type: Deletion.
Coding change: c.710del on transcript NM_053013.4 (MANE Select); coding-DNA position 710, one base deleted (C; older notation c.710delC).
Protein change: p.Pro237fs; shifts the reading frame from proline 237.
Molecular consequence: frameshift variant.
Genome position (GRCh38, 1-based): chr17:4,955,449, C deleted; the last of 3 consecutive C bases (chr17:4,955,447-4,955,449); deleting any one gives the same sequence. VCF-style (leftmost placement, unchanged base first): chr17-4955446-AC-A. GRCh37 (hg19) VCF-style: chr17-4858741-AC-A.
Other names: c.581del, p.Pro194fs (NM_001193503.2); c.710del, p.Pro237fs (NM_001976.5); short protein forms P194fs, P237fs.
Identifiers: ClinVar variation 422015 (VCV000422015.8), dbSNP rs778664924, ClinGen allele CA8316403.